The following is an entry in ClinVar:

NM_018486.3(HDAC8):c.356C>T (p.Thr119Met)

Gene: HDAC8 (histone deacetylase 8; minus strand). Cytogenetic location: Xq13.1.
Variant type: single nucleotide variant.
Coding change: c.356C>T on transcript NM_018486.3 (MANE Select); coding-DNA position 356, C replaced by T.
Protein change: p.Thr119Met; replaces threonine 119 with methionine.
Molecular consequence: missense variant. On other transcripts: intron variant (2).
Genome position (GRCh38, 1-based): chrX:72,567,970, G>A on the plus strand (C>T on the coding strand, the complement: HDAC8 is on the minus strand). VCF-style: chrX-72567970-G-A. GRCh37 (hg19) VCF-style: chrX-71787820-G-A.
Other names: c.356C>T, p.Thr119Met (NM_001166419.2, NM_001166420.2, NM_001166422.2); c.164+4087C>T (NM_001166418.2, NM_001166448.2); short protein forms T119M.
Identifiers: ClinVar variation 92043 (VCV000092043.17), dbSNP rs587779380, ClinGen allele CA331778.

ClinVar aggregate classification (germline): Pathogenic. Review status: criteria provided, multiple submitters, no conflicts (2 of 4 stars). 9 submissions from 9 submitters: Pathogenic (7). 2 of the submissions do not count toward it. Last evaluated 2026-03-01.

Conditions:
Cornelia de Lange syndrome 5 (CDLS5). Also called: HDAC8-Related Cornelia de Lange Syndrome. Identifiers: Orphanet 199, MedGen C3550903, MONDO:0010471, OMIM 300882.

Submissions (9):

CeGaT Center for Human Genetics Tuebingen
Classification: Pathogenic. Last evaluated: 2026-03-01. Review status: criteria provided, single submitter. Criteria: CeGaT Center For Human Genetics Tuebingen Variant Classification Criteria Version 2. Collection method: clinical testing. Allele origin: germline. Affected: yes. Observed: 1 variant allele.
Comment: HDAC8: PS2, PM2, PM5, PS4:Moderate, PP2

Laboratoire de Génétique Moléculaire, CHU Bordeaux
Classification: Pathogenic for Cornelia de Lange syndrome 5. Last evaluated: 2023-02-20. Review status: criteria provided, single submitter. Criteria: ACMG Guidelines, 2015. Collection method: clinical testing. Allele origin: germline. Affected: yes.

Mendelics
Classification: Pathogenic for Cornelia de Lange syndrome 5. Last evaluated: 2022-05-04. Review status: criteria provided, single submitter. Criteria: Mendelics Assertion Criteria 2019. Collection method: clinical testing. Allele origin: germline.

Labcorp Genetics (formerly Invitae), Labcorp
Classification: Pathogenic for Cornelia de Lange syndrome 5. Last evaluated: 2022-04-06. Review status: criteria provided, single submitter. Criteria: Invitae Variant Classification Sherloc (09022015). Collection method: clinical testing. Allele origin: germline.
Comment: Advanced modeling of protein sequence and biophysical properties (such as structural, functional, and spatial information, amino acid conservation, physicochemical variation, residue mobility, and thermodynamic stability) performed at Invitae indicates that this missense variant is expected to disrupt HDAC8 protein function. For these reasons, this variant has been classified as Pathogenic. ClinVar contains an entry for this variant (Variation ID: 92043). This missense change has been observed in individual(s) with clinical features of Cornelia de Lange syndrome or Say-Barber-Biesecker-Young-Simpson syndrome (PMID: 24375697, 25574841). In at least one individual the variant was observed to be de novo. This variant is not present in population databases (gnomAD no frequency). This sequence change replaces threonine, which is neutral and polar, with methionine, which is neutral and non-polar, at codon 119 of the HDAC8 protein (p.Thr119Met).

CENTOGENE GmbH and LLC - Guiding Precision Medicine
Classification: Pathogenic for Cornelia de Lange syndrome 5. Last evaluated: 2021-10-27. Review status: criteria provided, single submitter. Criteria: ACMG Guidelines, 2015. Collection method: clinical testing. Allele origin: de novo. Affected: yes.

Women's Health and Genetics/Laboratory Corporation of America, LabCorp
Classification: Pathogenic for Cornelia de Lange syndrome 5. Last evaluated: 2019-12-19. Review status: criteria provided, single submitter. Criteria: LabCorp Variant Classification Summary - May 2015. Collection method: clinical testing. Allele origin: germline.
Comment: Variant summary: HDAC8 c.356C>T (p.Thr119Met) results in a non-conservative amino acid change located in the Histone deacetylase domain of the encoded protein sequence. Five of five in-silico tools predict a damaging effect of the variant on protein function. The variant was absent in 182900 control chromosomes (gnomAD). c.356C>T has been reported in the literature in individuals affected with Cornelia de Lange syndrome 5 (Yuan_2015, Salzberg_2014). These data indicate that the variant may be associated with disease. To our knowledge, no experimental evidence demonstrating an impact on protein function has been reported. Two clinical diagnostic laboratories submitted pathogenic classifications for this variant to ClinVar (last evaluated in 2013 and 2014, respectively). Based on the evidence outlined above, the variant was classified as pathogenic.

Baylor Genetics
Classification: Pathogenic for Cornelia de Lange syndrome 5. Last evaluated: 2019-11-19. Review status: criteria provided, single submitter. Criteria: ACMG Guidelines, 2015. Collection method: clinical testing. Allele origin: de novo. Affected: yes.
Comment: This variant was determined to be pathogenic according to ACMG Guidelines, 2015 [PMID:25741868].

Lupski Lab, Baylor-Hopkins CMG, Baylor College of Medicine
Classification: Pathogenic for Cornelia de Lange Syndrome 5 (CdLS5). Last evaluated: 2014-12-02. Review status: no assertion criteria provided. Collection method: research. Allele origin: de novo. Affected: yes. Observed: 1 hemizygote. Not counted in ClinVar's aggregate classification.

McKusick-Nathans Institute of Genetic Medicine, Johns Hopkins University
Classification: Pathogenic for Cornelia de Lange syndrome 5. Last evaluated: 2013-12-18. Review status: no assertion criteria provided. Collection method: clinical testing. Allele origin: germline. Affected: yes. Not counted in ClinVar's aggregate classification.

Literature cited by the submitters: PubMed 24375697 (cited by 3 submitters); PubMed 25574841 (cited by 3 submitters); PubMed 30158690 (cited by Women's Health and Genetics/Laboratory Corporation of America, LabCorp).